The following is an entry in ClinVar:

ClinVar aggregate classification (germline): Uncertain significance (1 of 4 stars; one submission).

Conditions:
Congenital hyperammonemia, type I. Also called: CPS I DEFICIENCY; Carbamoyl phosphate synthetase 1 deficiency; Hyperammonemia due to carbamoyl phosphate synthetase 1 deficiency; CPS 1 deficiency; Carbamyl phosphate synthetase (CPS) deficiency; Carbamoyl-phosphate synthase I deficiency. Identifiers: Orphanet 147, MedGen C4082171, MONDO:0009376, OMIM 237300.

Allele frequency attached by ClinVar (database versions not stated): gnomAD exomes below 0.00001; TOPMed below 0.00001; ExAC 0.00001; gnomAD 0.00001.
gnomAD v4.1: 7 of 1,613,670 alleles (0.00043%); highest among the groups gnomAD compares: African/African-American, 0.0013%; no homozygotes.

Submission:

Labcorp Genetics (formerly Invitae), Labcorp
Classification: Uncertain significance for Congenital hyperammonemia, type I. Last evaluated: 2021-09-24. Review status: criteria provided, single submitter. Criteria: Invitae Variant Classification Sherloc (09022015). Collection method: clinical testing. Allele origin: germline.
Comment: This sequence change replaces valine with methionine at codon 1435 of the CPS1 protein (p.Val1435Met). The valine residue is moderately conserved and there is a small physicochemical difference between valine and methionine. This variant is present in population databases (rs778325183, ExAC 0.001%). This variant has not been reported in the literature in individuals with CPS1-related conditions. Algorithms developed to predict the effect of missense changes on protein structure and function are either unavailable or do not agree on the potential impact of this missense change (SIFT: "Deleterious"; PolyPhen-2: "Probably Damaging"; Align-GVGD: "Class C0"). In summary, the available evidence is currently insufficient to determine the role of this variant in disease. Therefore, it has been classified as a Variant of Uncertain Significance.

NM_001875.5(CPS1):c.4303G>A (p.Val1435Met)

Gene: CPS1 (carbamoyl-phosphate synthase 1; plus strand). Cytogenetic location: 2q34.
Variant type: single nucleotide variant.
Coding change: c.4303G>A on transcript NM_001875.5 (MANE Select); coding-DNA position 4303, G replaced by A.
Protein change: p.Val1435Met; replaces valine 1435 with methionine.
Molecular consequence: missense variant. On other transcripts: non-coding transcript variant (2).
Genome position (GRCh38, 1-based): chr2:210,677,035, G>A. VCF-style: chr2-210677035-G-A. GRCh37 (hg19) VCF-style: chr2-211541759-G-A.
Other names: c.4303G>A, p.Val1435Met (NM_001122633.3, NM_001369257.1); c.4336G>A, p.Val1446Met (NM_001369256.1); short protein forms V1435M, V1446M.
Identifiers: ClinVar variation 1436238 (VCV001436238.5), dbSNP rs778325183, ClinGen allele CA2087259.